The following is an entry in ClinVar:

NM_021975.4(RELA):c.1034-2A>C

Gene: RELA (RELA proto-oncogene, NF-kB subunit; minus strand). Cytogenetic location: 11q13.1.
Variant type: single nucleotide variant.
Coding change: c.1034-2A>C on transcript NM_021975.4 (MANE Select); the canonical splice acceptor site of the intron before coding-DNA position 1034, A replaced by C.
Molecular consequence: splice acceptor variant. On other transcripts: intron variant (1).
Genome position (GRCh38, 1-based): chr11:65,655,002, T>G on the plus strand (A>C on the coding strand, the complement: RELA is on the minus strand). VCF-style: chr11-65655002-T-G. GRCh37 (hg19) VCF-style: chr11-65422473-T-G.
Other names: c.941-2A>C (NM_001404662.1, NM_001404663.1); c.1007-2A>C (NM_001404658.1); c.653-2A>C (NM_001404661.1); c.1025-2A>C (NM_001145138.2); c.716-2A>C (NM_001404660.1); c.821-2A>C (NM_001404659.1); c.1034-209A>C (NM_001243984.2); c.1034-2A>C (NM_001243985.2); and 1 more.
Identifiers: ClinVar variation 692012 (VCV000692012.1), dbSNP rs1590931704, ClinGen allele CA381388478.
Genomic context (GRCh38, chr11:65,655,002, plus strand): 5'-GGGAAACTCATCATAGTTGATGGTGCTCAGGGATGACGTAAAGGGATAGGGCTGGGGTGC[T>G]GGAGGAGAGAGACAGAGAGGCAGGGGTCAGAGAAAGCCCTAGAGATCCACCCCGTCCTCT-3'

ClinVar aggregate classification (germline): Likely pathogenic (1 of 4 stars; one submission).

Conditions:
Mucocutaneous ulceration.

Submission:

Rady Children's Institute for Genomic Medicine, Rady Children's Hospital San Diego
Classification: Likely pathogenic for Mucocutaneous ulceration. Last evaluated: 2018-03-01. Review status: criteria provided, single submitter. Criteria: ACMG Guidelines, 2015. Collection method: clinical testing. Allele origin: germline. Affected: yes. Observed: 1 variant allele.
Comment: This variant affects the canonical splice acceptor site of intron 10 and is therefore predicted to alter splicing and exert a loss-of-function effect. A different canonical splice donor site variant in RELA has been reported in an individual with recurrent mucocutaneous ulcers, fever, and elevated inflammatory markers (PMID: 28600438). Family members of the described patient were genotyped and the RELA variant was found to segregate with disease in an autosomal dominant fashion (PMID: 28600438). A separate publication has reported a de novo nonsense variant in a patient with lymphoproliferative disease and autoimmune cytopenias (PMID: 29305315), indicating that the phenotype associated with loss-of-function mutations in RELA may be variable. The c.1034-2A>C variant is absent from the gnomAD population database and is thus presumed to be rare. Analysis of the parental samples was negative for the variant, indicating this variant likely occurred as a de novo event. Based on the available evidence, this variant is classified as a likely pathogenic change.